The following is an entry in ClinVar:

NM_030780.5(SLC25A32):c.695C>T (p.Ala232Val)

Gene: SLC25A32 (solute carrier family 25 member 32; minus strand). Cytogenetic location: 8q22.3.
Variant type: single nucleotide variant.
Coding change: c.695C>T on transcript NM_030780.5 (MANE Select); coding-DNA position 695, C replaced by T.
Protein change: p.Ala232Val; replaces alanine 232 with valine.
Molecular consequence: missense variant. On other transcripts: non-coding transcript variant (2).
Genome position (GRCh38, 1-based): chr8:103,401,633, G>A on the plus strand (C>T on the coding strand, the complement: SLC25A32 is on the minus strand). VCF-style: chr8-103401633-G-A. GRCh37 (hg19) VCF-style: chr8-104413861-G-A.
Other names: short protein forms A232V.
Identifiers: ClinVar variation 2570120 (VCV002570120.5), dbSNP rs759232426, ClinGen allele CA4835390.

ClinVar aggregate classification (germline): Uncertain significance. Review status: criteria provided, multiple submitters, no conflicts (2 of 4 stars). 2 submissions from 2 submitters: Uncertain significance (2). Last evaluated 2024-01-06.

Allele frequency attached by ClinVar (database versions not stated): gnomAD 0.00001; gnomAD exomes 0.00001; ExAC 0.00002.
gnomAD v4.1: 19 of 1,612,862 alleles (0.0012%); highest among the groups gnomAD compares: South Asian, 0.018%; no homozygotes.

Submissions (2):

Labcorp Genetics (formerly Invitae), Labcorp
Classification: Uncertain significance. Last evaluated: 2024-01-06. Review status: criteria provided, single submitter. Criteria: Invitae Variant Classification Sherloc (09022015). Collection method: clinical testing. Allele origin: germline.
Comment: This sequence change replaces alanine, which is neutral and non-polar, with valine, which is neutral and non-polar, at codon 232 of the SLC25A32 protein (p.Ala232Val). This variant is present in population databases (rs759232426, gnomAD 0.02%). This variant has not been reported in the literature in individuals affected with SLC25A32-related conditions. ClinVar contains an entry for this variant (Variation ID: 2570120). Advanced modeling of protein sequence and biophysical properties (such as structural, functional, and spatial information, amino acid conservation, physicochemical variation, residue mobility, and thermodynamic stability) performed at Invitae indicates that this missense variant is not expected to disrupt SLC25A32 protein function with a negative predictive value of 80%. In summary, the available evidence is currently insufficient to determine the role of this variant in disease. Therefore, it has been classified as a Variant of Uncertain Significance.

Ambry Genetics
Classification: Uncertain significance. Last evaluated: 2023-05-23. Review status: criteria provided, single submitter. Criteria: Ambry Variant Classification Scheme 2023. Collection method: clinical testing. Allele origin: germline.